The following is an entry in ClinVar:

NM_003334.4(UBA1):c.1921A>G (p.Ile641Val)

Gene: UBA1 (ubiquitin like modifier activating enzyme 1; plus strand). Cytogenetic location: Xp11.3.
Variant type: single nucleotide variant.
Coding change: c.1921A>G on transcript NM_003334.4 (MANE Select); coding-DNA position 1921, A replaced by G.
Protein change: p.Ile641Val; replaces isoleucine 641 with valine.
Molecular consequence: missense variant.
Genome position (GRCh38, 1-based): chrX:47,206,427, A>G. VCF-style: chrX-47206427-A-G. GRCh37 (hg19) VCF-style: chrX-47065826-A-G.
Other names: c.1921A>G, p.Ile641Val (NM_153280.3); short protein forms I641V.
Identifiers: ClinVar variation 2901428 (VCV002901428.3), dbSNP rs782290695, ClinGen allele CA10396012.

ClinVar aggregate classification (germline): Uncertain significance (1 of 4 stars; one submission).

Conditions:
Infantile-onset X-linked spinal muscular atrophy. Also called: SPINAL MUSCULAR ATROPHY, X-LINKED LETHAL INFANTILE; Spinal muscular atrophy, X-linked 2; AMC, DISTAL, X-LINKED; ARTHROGRYPOSIS, X-LINKED, TYPE I; Spinal Muscular Atrophy, X-Linked Infantile. Identifiers: Orphanet 1145, MedGen C1844934, MONDO:0010532, OMIM 301830.

Allele frequency attached by ClinVar (database versions not stated): TOPMed below 0.00001; gnomAD exomes 0.00001; ExAC 0.00002.
gnomAD v4.1: 5 of 1,212,058 alleles (0.00041%); highest among the groups gnomAD compares: Middle Eastern, 0.023%; no homozygotes.

Submission:

Labcorp Genetics (formerly Invitae), Labcorp
Classification: Uncertain significance for Infantile-onset X-linked spinal muscular atrophy. Last evaluated: 2023-01-05. Review status: criteria provided, single submitter. Criteria: Invitae Variant Classification Sherloc (09022015). Collection method: clinical testing. Allele origin: germline.
Comment: This sequence change replaces isoleucine, which is neutral and non-polar, with valine, which is neutral and non-polar, at codon 641 of the UBA1 protein (p.Ile641Val). This variant is present in population databases (rs782290695, gnomAD 0.003%). In summary, the available evidence is currently insufficient to determine the role of this variant in disease. Therefore, it has been classified as a Variant of Uncertain Significance. Algorithms developed to predict the effect of missense changes on protein structure and function (SIFT, PolyPhen-2, Align-GVGD) all suggest that this variant is likely to be tolerated. This variant has not been reported in the literature in individuals affected with UBA1-related conditions.